The following is an entry in ClinVar:

NM_182914.3(SYNE2):c.1444C>G (p.Leu482Val)

Gene: SYNE2 (spectrin repeat containing nuclear envelope protein 2; plus strand). Cytogenetic location: 14q23.2.
Variant type: single nucleotide variant.
Coding change: c.1444C>G on transcript NM_182914.3 (MANE Select); coding-DNA position 1444, C replaced by G.
Protein change: p.Leu482Val; replaces leucine 482 with valine.
Molecular consequence: missense variant.
Genome position (GRCh38, 1-based): chr14:63,978,889, C>G. VCF-style: chr14-63978889-C-G. GRCh37 (hg19) VCF-style: chr14-64445607-C-G.
Other names: c.1444C>G, p.Leu482Val (NM_015180.6); short protein forms L482V.
Identifiers: ClinVar variation 2183936 (VCV002183936.4), dbSNP rs780569646, ClinGen allele CA7219440.

ClinVar aggregate classification (germline): Uncertain significance (1 of 4 stars; one submission).

Conditions:
Emery-Dreifuss muscular dystrophy 5, autosomal dominant (EDMD5). Also called: EMERY-DREIFUSS MUSCULAR DYSTROPHY 5. Identifiers: Orphanet 261, MedGen C2751805, MONDO:0013072, OMIM 612999.

Allele frequency attached by ClinVar (database versions not stated): gnomAD exomes below 0.00001; ExAC 0.00001.
gnomAD v4.1: 3 of 1,612,816 alleles (0.00019%); highest among the groups gnomAD compares: Admixed American, 0.0017%; no homozygotes.

Submission:

Labcorp Genetics (formerly Invitae), Labcorp
Classification: Uncertain significance for Emery-Dreifuss muscular dystrophy 5, autosomal dominant. Last evaluated: 2024-07-23. Review status: criteria provided, single submitter. Criteria: Invitae Variant Classification Sherloc (09022015). Collection method: clinical testing. Allele origin: germline.
Comment: This sequence change replaces leucine, which is neutral and non-polar, with valine, which is neutral and non-polar, at codon 482 of the SYNE2 protein (p.Leu482Val). This variant is present in population databases (rs780569646, gnomAD 0.003%). This variant has not been reported in the literature in individuals affected with SYNE2-related conditions. ClinVar contains an entry for this variant (Variation ID: 2183936). An algorithm developed to predict the effect of missense changes on protein structure and function (PolyPhen-2) suggests that this variant is likely to be disruptive. In summary, the available evidence is currently insufficient to determine the role of this variant in disease. Therefore, it has been classified as a Variant of Uncertain Significance.